The following is an entry in ClinVar:

ClinVar aggregate classification (germline): Benign/Likely benign. Review status: criteria provided, multiple submitters, no conflicts (2 of 4 stars). 5 submissions from 5 submitters: Benign (1); Likely benign (2). 2 of the submissions do not count toward it. Last evaluated 2026-01-13.

Conditions:
Autosomal recessive limb-girdle muscular dystrophy type 2J (LGMDR10). Also called: Limb-girdle muscular dystrophy, type 2J; MUSCULAR DYSTROPHY, LIMB-GIRDLE, AUTOSOMAL RECESSIVE 10. Identifiers: Orphanet 140922, MedGen C1837342, MONDO:0012127, OMIM 608807.
Dilated cardiomyopathy 1G (CMD1G). Identifiers: Orphanet 154, MedGen C1858763, MONDO:0011400, OMIM 604145.

Submissions (5):

Labcorp Genetics (formerly Invitae), Labcorp
Classification: Benign for Dilated cardiomyopathy 1G; Autosomal recessive limb-girdle muscular dystrophy type 2J. Last evaluated: 2026-01-13. Review status: criteria provided, single submitter. Criteria: Invitae Variant Classification Sherloc (09022015). Collection method: clinical testing. Allele origin: germline.

Blueprint Genetics
Classification: Likely benign. Last evaluated: 2024-11-06. Review status: criteria provided, single submitter. Criteria: ACMG Guidelines, 2015. Collection method: clinical testing. Allele origin: germline.

GeneDx
Classification: Likely benign. Last evaluated: 2017-08-10. Review status: criteria provided, single submitter. Criteria: GeneDx Variant Classification (06012015). Collection method: clinical testing. Allele origin: germline. Affected: yes.
Comment: This variant is considered likely benign or benign based on one or more of the following criteria: it is a conservative change, it occurs at a poorly conserved position in the protein, it is predicted to be benign by multiple in silico algorithms, and/or has population frequency not consistent with disease.

Clinical Genetics, Academic Medical Center
Classification: Benign. Review status: no assertion criteria provided. Collection method: clinical testing. Allele origin: germline. Affected: yes. Study: VKGL Data-share Consensus. Not counted in ClinVar's aggregate classification.

Diagnostic Laboratory, Department of Genetics, University Medical Center Groningen
Classification: Likely benign. Review status: no assertion criteria provided. Collection method: clinical testing. Allele origin: germline. Affected: yes. Study: VKGL Data-share Consensus. Not counted in ClinVar's aggregate classification.

NM_001267550.2(TTN):c.14092+20del

Gene: TTN (titin; minus strand). Cytogenetic location: 2q31.2.
Variant type: Deletion.
Coding change: c.14092+20del on transcript NM_001267550.2 (MANE Select); 20 bases into the intron after coding-DNA position 14092, one base deleted (A; older notation c.14092+20delA).
Molecular consequence: intron variant.
Genome position (GRCh38, 1-based): chr2:178,739,121, T deleted on the plus strand (A on the coding strand, the reverse complement: TTN is on the minus strand); the first of 4 consecutive T bases (chr2:178,739,121-178,739,124); deleting any one gives the same sequence. VCF-style (leftmost placement, unchanged base first): chr2-178739120-AT-A. GRCh37 (hg19) VCF-style: chr2-179603847-AT-A.
Other names: c.13003+20del (NM_003319.4); c.13579+20del (NM_133437.4); c.13378+20del (NM_133432.3); c.10361-761del (NM_133378.4); c.13141+20del (NM_001256850.1); c.13141+20delA (NM_001256850.1).
Identifiers: ClinVar variation 422838 (VCV000422838.13), dbSNP rs560021681, ClinGen allele CA2002482.